The following is an entry in ClinVar:

ClinVar aggregate classification (germline): Conflicting classifications of pathogenicity. Review status: criteria provided, conflicting classifications (1 of 4 stars). 3 submissions from 3 submitters: Uncertain significance (1); Likely benign (1). 1 of the submissions does not count toward it. Last evaluated 2025-12-26.

Conditions:
Inborn genetic diseases. Identifiers: MedGen C0950123, MeSH D030342.

Allele frequency attached by ClinVar (database versions not stated): gnomAD exomes 0.00011 and 0.00037; ExAC 0.00041; 1000 Genomes Project 30x 0.00062; 1000 Genomes Project 0.00080; ESP Exome Variant Server 0.00131; gnomAD 0.00156 and 0.00170; TOPMed 0.00179.
gnomAD v4.1: 414 of 1,614,124 alleles (0.026%); highest among the groups gnomAD compares: African/African-American, 0.48%; 2 homozygotes.

Submissions (3):

Labcorp Genetics (formerly Invitae), Labcorp
Classification: Likely benign. Last evaluated: 2025-12-26. Review status: criteria provided, single submitter. Criteria: Invitae Variant Classification Sherloc (09022015). Collection method: clinical testing. Allele origin: germline.

Ambry Genetics
Classification: Uncertain significance for Inborn genetic diseases. Last evaluated: 2025-06-30. Review status: criteria provided, single submitter. Criteria: Ambry Variant Classification Scheme 2023. Collection method: clinical testing. Allele origin: germline.

Department of Pathology and Laboratory Medicine, Sinai Health System
Classification: Uncertain significance. Review status: no assertion criteria provided. Collection method: clinical testing. Allele origin: unknown. Affected: yes. Study: The Canadian Open Genetics Repository (COGR). Not counted in ClinVar's aggregate classification.
Comment: The POLR1A p.Pro673Ala variant was not identified in the literature but was identified in dbSNP (ID: rs191928354), ClinVar (classified as likely benign by Invitae), and LOVD 3.0. The variant was identified in control databases in 150 of 280812 chromosomes at a frequency of 0.0005342 increasing the likelihood this could be a low frequency benign variant (Genome Aggregation Database March 6, 2019, v2.1.1). The variant was observed in the following populations: African in 127 of 24200 chromosomes (freq: 0.005248), Latino in 19 of 35364 chromosomes (freq: 0.000537), Other in 2 of 7144 chromosomes (freq: 0.00028) and European (non-Finnish) in 2 of 128578 chromosomes (freq: 0.000016), but was not observed in the Ashkenazi Jewish, East Asian, European (Finnish), and South Asian populations. The p.Pro673 residue is conserved across mammals and other organisms, and four out of five computational analyses (PolyPhen-2, SIFT, AlignGVGD, BLOSUM, MutationTaster) suggest that the variant may impact the protein; however, this information is not predictive enough to assume pathogenicity. The variant occurs outside of the splicing consensus sequence and in silico or computational prediction software programs (SpliceSiteFinder, MaxEntScan, NNSPLICE, GeneSplicer) do not predict a difference in splicing. In summary, based on the above information the clinical significance of this variant cannot be determined with certainty at this time. This variant is classified as a variant of uncertain significance.

NM_015425.6(POLR1A):c.2017C>G (p.Pro673Ala)

Gene: POLR1A (RNA polymerase I subunit A; minus strand). Cytogenetic location: 2p11.2.
Variant type: single nucleotide variant.
Coding change: c.2017C>G on transcript NM_015425.6 (MANE Select); coding-DNA position 2017, C replaced by G.
Protein change: p.Pro673Ala; replaces proline 673 with alanine.
Molecular consequence: missense variant.
Genome position (GRCh38, 1-based): chr2:86,065,315, G>C on the plus strand (C>G on the coding strand, the complement: POLR1A is on the minus strand). VCF-style: chr2-86065315-G-C. GRCh37 (hg19) VCF-style: chr2-86292438-G-C.
Other names: c.2017C>G (NM_015425.3); short protein forms P673A.
Identifiers: ClinVar variation 728850 (VCV000728850.12), dbSNP rs191928354, ClinGen allele CA1746191.